The following is an entry in ClinVar:

NM_021267.5(CERS1):c.74G>A (p.Arg25His)

Genes: CERS1 (ceramide synthase 1; minus strand), GDF1 (growth differentiation factor 1; minus strand). Cytogenetic location: 19p13.11.
Variant type: single nucleotide variant.
Coding change: c.74G>A on transcript NM_021267.5 (MANE Select); coding-DNA position 74, G replaced by A.
Protein change: p.Arg25His; replaces arginine 25 with histidine.
Molecular consequence: missense variant. On other transcripts: 5 prime UTR variant (4), intron variant (3).
Genome position (GRCh38, 1-based): chr19:18,895,999, C>T on the plus strand (G>A on the coding strand, the complement: CERS1 is on the minus strand). VCF-style: chr19-18895999-C-T. GRCh37 (hg19) VCF-style: chr19-19006808-C-T.
Other names: c.74G>A, p.Arg25His (NM_001387439.1, NM_001387440.1, NM_001387441.1 and 1 more transcripts); c.-455G>A (NM_001387444.1); c.-402G>A (NM_001387445.1); c.-829G>A (NM_001387438.1); c.-1249G>A (NM_001492.6); c.-46+727G>A (NM_001387443.1); c.-46+562G>A (NM_001387442.1, NM_001290265.2); short protein forms R25H.
Identifiers: ClinVar variation 1040067 (VCV001040067.9), dbSNP rs2056617983, ClinGen allele CA404868742.

ClinVar aggregate classification (germline): Uncertain significance (1 of 4 stars; one submission).

Conditions:
Progressive myoclonic epilepsy type 8. Identifiers: Orphanet 424027, MedGen C5190825, MONDO:0014545, OMIM 616230.

Submission:

Labcorp Genetics (formerly Invitae), Labcorp
Classification: Uncertain significance for Progressive myoclonic epilepsy type 8. Last evaluated: 2020-01-18. Review status: criteria provided, single submitter. Criteria: Invitae Variant Classification Sherloc (09022015). Collection method: clinical testing. Allele origin: germline.
Comment: This sequence change replaces arginine with histidine at codon 25 of the CERS1 protein (p.Arg25His). The arginine residue is moderately conserved and there is a small physicochemical difference between arginine and histidine. In summary, the available evidence is currently insufficient to determine the role of this variant in disease. Therefore, it has been classified as a Variant of Uncertain Significance. Algorithms developed to predict the effect of missense changes on protein structure and function are either unavailable or do not agree on the potential impact of this missense change (SIFT: "Deleterious"; PolyPhen-2: "Possibly Damaging"; Align-GVGD: "Class C0"). This variant has not been reported in the literature in individuals with CERS1-related conditions. The frequency data for this variant in the population databases is considered unreliable, as metrics indicate insufficient coverage at this position in the ExAC database.